The following is an entry in ClinVar:

ClinVar aggregate classification (germline): Likely benign. Review status: criteria provided, multiple submitters, no conflicts (2 of 4 stars). 3 submissions from 3 submitters: Likely benign (2). 1 of the submissions does not count toward it. Last evaluated 2025-07-14.

Conditions:
PRDM5-related disorder. Also called: PRDM5-related condition.
Cardiovascular phenotype. Identifiers: MedGen CN230736.

Allele frequency attached by ClinVar (database versions not stated): gnomAD 0.00009; ExAC 0.00003; TOPMed 0.00012; gnomAD exomes 0.00001; ESP Exome Variant Server 0.00008; 1000 Genomes Project 0.00020; 1000 Genomes Project 30x 0.00016.
gnomAD v4.1: 36 of 1,614,056 alleles (0.0022%); highest among the groups gnomAD compares: Admixed American, 0.03%; no homozygotes.

Submissions (3):

Labcorp Genetics (formerly Invitae), Labcorp
Classification: Likely benign. Last evaluated: 2025-07-14. Review status: criteria provided, single submitter. Criteria: Invitae Variant Classification Sherloc (09022015). Collection method: clinical testing. Allele origin: germline.

Ambry Genetics
Classification: Likely benign for Cardiovascular phenotype. Last evaluated: 2020-11-03. Review status: criteria provided, single submitter. Criteria: Ambry Variant Classification Scheme 2023. Collection method: clinical testing. Allele origin: germline.

PreventionGenetics, part of Exact Sciences
Classification: Likely benign for PRDM5-related condition. Last evaluated: 2021-07-06. Review status: no assertion criteria provided. Collection method: clinical testing. Allele origin: germline. Not counted in ClinVar's aggregate classification.
Comment: This variant is classified as likely benign based on ACMG/AMP sequence variant interpretation guidelines (Richards et al. 2015 PMID: 25741868, with internal and published modifications).

NM_018699.4(PRDM5):c.750G>A (p.Glu250=)

Gene: PRDM5 (PR/SET domain 5; minus strand). Cytogenetic location: 4q27.
Variant type: single nucleotide variant.
Coding change: c.750G>A on transcript NM_018699.4 (MANE Select); coding-DNA position 750, G replaced by A.
Protein change: p.Glu250=; no amino-acid change (glutamic acid 250 retained).
Molecular consequence: synonymous variant.
Genome position (GRCh38, 1-based): chr4:120,816,568, C>T on the plus strand (G>A on the coding strand, the complement: PRDM5 is on the minus strand). VCF-style: chr4-120816568-C-T. GRCh37 (hg19) VCF-style: chr4-121737723-C-T.
Other names: c.657G>A, p.Glu219= (NM_001300823.2, NM_001300824.2, NM_001379106.1); c.750G>A, p.Glu250= (NM_001379104.1); c.750G>A (NM_018699.3).
Identifiers: ClinVar variation 1759256 (VCV001759256.7), dbSNP rs141378225, ClinGen allele CA3061292.